The following is an entry in ClinVar:

NM_032977.4(CASP10):c.49A>G (p.Lys17Glu)

Gene: CASP10 (caspase 10; plus strand). Cytogenetic location: 2q33.1.
Variant type: single nucleotide variant.
Coding change: c.49A>G on transcript NM_032977.4 (MANE Select); coding-DNA position 49, A replaced by G.
Protein change: p.Lys17Glu; replaces lysine 17 with glutamic acid.
Molecular consequence: missense variant.
Genome position (GRCh38, 1-based): chr2:201,185,826, A>G. VCF-style: chr2-201185826-A-G. GRCh37 (hg19) VCF-style: chr2-202050549-A-G.
Other names: c.49A>G, p.Lys17Glu (NM_001206524.2, NM_001206542.2, NM_001230.5 and 3 more transcripts); short protein forms K17E.
Identifiers: ClinVar variation 333416 (VCV000333416.8), dbSNP rs552561721, ClinGen allele CA2052766.

ClinVar aggregate classification (germline): Conflicting classifications of pathogenicity. Review status: criteria provided, conflicting classifications (1 of 4 stars). 2 submissions from 2 submitters: Uncertain significance (1); Benign (1). Last evaluated 2025-09-15.

Conditions:
Autoimmune lymphoproliferative syndrome type 2A (ALPS2A). Also called: CASP10-Related Autoimmune Lymphoproliferative Syndrome; AUTOIMMUNE LYMPHOPROLIFERATIVE SYNDROME, TYPE IIA; Autoimmune lymphoproliferative syndrome type 2. Identifiers: Orphanet 3261, MedGen C1858968, MONDO:0011383, OMIM 603909.

Allele frequency attached by ClinVar (database versions not stated): ExAC 0.00006; gnomAD exomes 0.00008 and 0.00002; gnomAD 0.00001 and 0.00002; TOPMed 0.00003.
gnomAD v4.1: 25 of 1,614,118 alleles (0.0015%); highest among the groups gnomAD compares: Admixed American, 0.038%; no homozygotes.

Submissions (2):

Labcorp Genetics (formerly Invitae), Labcorp
Classification: Uncertain significance for Autoimmune lymphoproliferative syndrome type 2A. Last evaluated: 2025-09-15. Review status: criteria provided, single submitter. Criteria: Invitae Variant Classification Sherloc (09022015). Collection method: clinical testing. Allele origin: germline.
Comment: This sequence change replaces lysine, which is basic and polar, with glutamic acid, which is acidic and polar, at codon 17 of the CASP10 protein (p.Lys17Glu). This variant is present in population databases (rs552561721, gnomAD 0.06%), and has an allele count higher than expected for a pathogenic variant. This variant has not been reported in the literature in individuals affected with CASP10-related conditions. ClinVar contains an entry for this variant (Variation ID: 333416). An algorithm developed to predict the effect of missense changes on protein structure and function (PolyPhen-2) suggests that this variant is likely to be tolerated. In summary, the available evidence is currently insufficient to determine the role of this variant in disease. Therefore, it has been classified as a Variant of Uncertain Significance.

Illumina Laboratory Services, Illumina
Classification: Benign for Autoimmune lymphoproliferative syndrome type 2A. Last evaluated: 2018-01-13. Review status: criteria provided, single submitter. Criteria: ICSL Variant Classification Criteria 13 December 2019. Collection method: clinical testing. Allele origin: germline.
Comment: This variant was observed in the ICSL laboratory as part of a predisposition screen in an ostensibly healthy population. It had not been previously curated by ICSL or reported in the Human Gene Mutation Database (HGMD: prior to June 1st, 2018), and was therefore a candidate for classification through an automated scoring system. Utilizing variant allele frequency, disease prevalence and penetrance estimates, and inheritance mode, an automated score was calculated to assess if this variant is too frequent to cause the disease. Based on the score and internal cut-off values, a variant classified as benign is not then subjected to further curation. The score for this variant resulted in a classification of benign for this disease.